The following is an entry in ClinVar:

ClinVar aggregate classification (germline): Conflicting classifications of pathogenicity. Review status: criteria provided, conflicting classifications (1 of 4 stars). 4 submissions from 4 submitters: Uncertain significance (3); Likely benign (1). Last evaluated 2024-05-03.

Conditions:
Inborn genetic diseases. Identifiers: MedGen C0950123, MeSH D030342.

Allele frequency attached by ClinVar (database versions not stated): gnomAD exomes 0.00001; ExAC 0.00003; gnomAD 0.00003; TOPMed 0.00003.
gnomAD v4.1: 23 of 1,612,398 alleles (0.0014%); highest among the groups gnomAD compares: Admixed American, 0.005%; no homozygotes.

Submissions (4):

Mayo Clinic Laboratories, Mayo Clinic
Classification: Uncertain significance. Last evaluated: 2024-05-03. Review status: criteria provided, single submitter. Criteria: ACMG Guidelines, 2015. Collection method: clinical testing. Allele origin: germline. Observed: 1 variant allele.
Comment: BP4

Labcorp Genetics (formerly Invitae), Labcorp
Classification: Uncertain significance. Last evaluated: 2023-07-03. Review status: criteria provided, single submitter. Criteria: Invitae Variant Classification Sherloc (09022015). Collection method: clinical testing. Allele origin: germline.
Comment: Algorithms developed to predict the effect of missense changes on protein structure and function output the following: SIFT: "Not Available"; PolyPhen-2: "Benign"; Align-GVGD: "Not Available". The methionine amino acid residue is found in multiple mammalian species, which suggests that this missense change does not adversely affect protein function. In summary, the available evidence is currently insufficient to determine the role of this variant in disease. Therefore, it has been classified as a Variant of Uncertain Significance. ClinVar contains an entry for this variant (Variation ID: 1708308). This variant has not been reported in the literature in individuals affected with ADAMTS13-related conditions. This variant is present in population databases (rs762112077, gnomAD 0.02%). This sequence change replaces threonine, which is neutral and polar, with methionine, which is neutral and non-polar, at codon 1135 of the ADAMTS13 protein (p.Thr1135Met).

Ambry Genetics
Classification: Likely benign for Inborn genetic diseases. Last evaluated: 2022-12-02. Review status: criteria provided, single submitter. Criteria: Ambry Variant Classification Scheme 2023. Collection method: clinical testing. Allele origin: germline.

Centre of Medical Genetics, University Hospital Muenster
Classification: Uncertain significance. Last evaluated: 2021-12-16. Review status: criteria provided, single submitter. Criteria: ACMG Guidelines, 2015. Collection method: clinical testing. Allele origin: unknown. Affected: yes. Observed: 1 variant allele, 1 heterozygote.
Comment: ACMG categories: PM2,BP4

NM_139027.6(ADAMTS13):c.3400+4C>T

Gene: ADAMTS13 (ADAM metallopeptidase with thrombospondin type 1 motif 13; plus strand). Cytogenetic location: 9q34.2.
Variant type: single nucleotide variant.
Coding change: c.3400+4C>T on transcript NM_139027.6 (MANE Select); 4 bases into the intron after coding-DNA position 3400, C replaced by T.
Molecular consequence: intron variant. On other transcripts: missense variant (2).
Genome position (GRCh38, 1-based): chr9:133,455,439, C>T. VCF-style: chr9-133455439-C-T. GRCh37 (hg19) VCF-style: chr9-136320561-C-T.
Other names: p.Thr1135Met; c.3404C>T, p.Thr1135Met (NM_139025.5, NM_017587.2); c.3307+4C>T (NM_139026.6); c.3404C>T (NM_139025.3); short protein forms T1135M.
Identifiers: ClinVar variation 1708308 (VCV001708308.9), dbSNP rs762112077, ClinGen allele CA200944111.